The following is an entry in ClinVar:

ClinVar aggregate classification (germline): Benign/Likely benign. Review status: criteria provided, multiple submitters, no conflicts (2 of 4 stars). 9 submissions from 9 submitters: Benign (3); Likely benign (5). 1 of the submissions does not count toward it. Last evaluated 2026-02-03.

Conditions:
Inborn genetic diseases. Identifiers: MedGen C0950123, MeSH D030342.
Fanconi anemia (FA). Also called: Fanconi's anemia. Identifiers: Orphanet 84, MedGen C0015625, MeSH D005199, MONDO:0019391.
Premature ovarian failure 15. Identifiers: MedGen C4748170, MONDO:0054862, OMIM 618096.
FANCM-related disorder. Also called: FANCM-related condition.
Hereditary cancer-predisposing syndrome. Also called: Neoplastic Syndromes, Hereditary; Tumor predisposition; Hereditary Cancer Syndrome; Hereditary neoplastic syndrome. Identifiers: Orphanet 140162, MedGen C0027672, MeSH D009386, MONDO:0015356.

Allele frequency attached by ClinVar (database versions not stated): gnomAD exomes 0.00026 and 0.00073; gnomAD 0.00318 and 0.00311; TOPMed 0.00334; 1000 Genomes Project 0.00479; 1000 Genomes Project 30x 0.00578; ESP Exome Variant Server 0.00261; ExAC 0.00085.
gnomAD v4.1: 868 of 1,614,082 alleles (0.054%); highest among the groups gnomAD compares: African/African-American, 1%; 5 homozygotes.

Submissions (9):

Labcorp Genetics (formerly Invitae), Labcorp
Classification: Benign for Fanconi anemia. Last evaluated: 2026-02-03. Review status: criteria provided, single submitter. Criteria: Invitae Variant Classification Sherloc (09022015). Collection method: clinical testing. Allele origin: germline.

Quest Diagnostics Nichols Institute San Juan Capistrano
Classification: Benign. Last evaluated: 2025-08-26. Review status: criteria provided, single submitter. Criteria: Quest Diagnostics criteria. Collection method: clinical testing. Allele origin: unknown.

KCCC/NGS Laboratory, Kuwait Cancer Control Center
Classification: Benign for Premature ovarian failure 15. Last evaluated: 2025-02-01. Review status: criteria provided, single submitter. Criteria: ACMG Guidelines, 2015. Collection method: clinical testing. Allele origin: germline. Affected: no.

Blueprint Genetics
Classification: Likely benign. Last evaluated: 2024-11-25. Review status: criteria provided, single submitter. Criteria: ACMG Guidelines, 2015. Collection method: clinical testing. Allele origin: germline.

Ambry Genetics
Classification: Likely benign for Inborn genetic diseases. Last evaluated: 2024-10-02. Review status: criteria provided, single submitter. Criteria: Ambry Variant Classification Scheme 2023. Collection method: clinical testing. Allele origin: germline.

Genetic Services Laboratory, University of Chicago
Classification: Likely benign. Last evaluated: 2021-10-11. Review status: criteria provided, single submitter. Criteria: ACMG Guidelines, 2015. Collection method: clinical testing. Allele origin: germline. Affected: no.

GeneDx
Classification: Likely benign. Last evaluated: 2021-09-19. Review status: criteria provided, single submitter. Criteria: GeneDx Variant Classification Process June 2021. Collection method: clinical testing. Allele origin: germline. Affected: yes.
Comment: This variant is associated with the following publications: (PMID: 19737859)

Sema4
Classification: Likely benign for Hereditary cancer-predisposing syndrome. Last evaluated: 2021-05-30. Review status: criteria provided, single submitter. Criteria: Sema4 Curation Guidelines. Collection method: curation. Allele origin: germline.

PreventionGenetics, part of Exact Sciences
Classification: Benign for FANCM-related condition. Last evaluated: 2019-09-18. Review status: no assertion criteria provided. Collection method: clinical testing. Allele origin: germline. Not counted in ClinVar's aggregate classification.
Comment: This variant is classified as benign based on ACMG/AMP sequence variant interpretation guidelines (Richards et al. 2015 PMID: 25741868, with internal and published modifications).

Literature cited by the submitters: PubMed 19737859 (cited by Quest Diagnostics Nichols Institute San Juan Capistrano).

NM_020937.4(FANCM):c.3547T>C (p.Leu1183=)

Gene: FANCM (FA complementation group M; plus strand). Cytogenetic location: 14q21.2.
Variant type: single nucleotide variant.
Coding change: c.3547T>C on transcript NM_020937.4 (MANE Select); coding-DNA position 3547, T replaced by C.
Protein change: p.Leu1183=; no amino-acid change (leucine 1183 retained).
Molecular consequence: synonymous variant.
Genome position (GRCh38, 1-based): chr14:45,176,301, T>C. VCF-style: chr14-45176301-T-C. GRCh37 (hg19) VCF-style: chr14-45645504-T-C.
Other names: c.3547T>C (LRG_502t1); c.3469T>C, p.Leu1157= (NM_001308133.2).
Identifiers: ClinVar variation 414851 (VCV000414851.27), dbSNP rs142667852, ClinGen allele CA7169531.
Genomic context (GRCh38, chr14:45,176,301, plus strand): 5'-GACAAAACTGCTATTAGTGAAACGCCTCTGGTCTCTCAGTTCTTAATTTCTGATGAACTT[T>C]TGTTGGACAATAATTCTGAACTCCAAGATCAAATCACCCGTGATGCTAATAGTTTTAAAT-3'
Protein context (NP_065988.1, residues 1173-1193): VSQFLISDEL[Leu1183=]LDNNSELQDQ